The following is an entry in ClinVar:

ClinVar aggregate classification (germline): Likely benign (1 of 4 stars; one submission).

gnomAD v4.1: 6 of 1,567,680 alleles (0.00038%); highest among the groups gnomAD compares: South Asian, 0.0012%; no homozygotes.

Submission:

CeGaT Center for Human Genetics Tuebingen
Classification: Likely benign. Last evaluated: 2026-06-01. Review status: criteria provided, single submitter. Criteria: CeGaT Center For Human Genetics Tuebingen Variant Classification Criteria Version 2. Collection method: clinical testing. Allele origin: germline. Affected: yes. Observed: 1 variant allele.
Comment: PI4KA: BP4, BP7

NM_058004.4(PI4KA):c.825C>T (p.Ser275=)

Gene: PI4KA (phosphatidylinositol 4-kinase alpha; minus strand). Cytogenetic location: 22q11.21.
Variant type: single nucleotide variant.
Coding change: c.825C>T on transcript NM_058004.4 (MANE Select); coding-DNA position 825, C replaced by T.
Protein change: p.Ser275=; no amino-acid change (serine 275 retained).
Molecular consequence: synonymous variant.
Genome position (GRCh38, 1-based): chr22:20,818,514, G>A on the plus strand (C>T on the coding strand, the complement: PI4KA is on the minus strand). VCF-style: chr22-20818514-G-A. GRCh37 (hg19) VCF-style: chr22-21172802-G-A.
Other names: c.825C>T, p.Ser275= (NM_001362862.2, NM_001362863.2).
Identifiers: ClinVar variation 4873788 (VCV004873788.2).